The following is an entry in ClinVar:

ClinVar aggregate classification (germline): Pathogenic/Likely pathogenic. Review status: criteria provided, multiple submitters, no conflicts (2 of 4 stars). 6 submissions from 6 submitters: Pathogenic (2); Likely pathogenic (2). 2 of the submissions do not count toward it. Last evaluated 2023-11-06.

Conditions:
SRD5A2-related disorder. Also called: SRD5A2-related condition.
Urogenital tract malformation. Also called: Abnormality of the genitourinary system. Identifiers: Orphanet 83001, MedGen C0042063, MONDO:0019356, HP:0000119.
3-Oxo-5 alpha-steroid delta 4-dehydrogenase deficiency (PPSH). Also called: PSEUDOVAGINAL PERINEOSCROTAL HYPOSPADIAS; 46,XY disorder of sex development due to 5-alpha-reductase 2 deficiency; FAMILIAL INCOMPLETE MALE PSEUDOHERMAPHRODITISM, TYPE 2; MALE PSEUDOHERMAPHRODITISM DUE TO 5-ALPHA-REDUCTASE DEFICIENCY. Identifiers: Orphanet 753, MedGen C0268297, MONDO:0009923, OMIM 264600. Disease mechanism: loss of function.

gnomAD v4.1: 1 of 1,609,420 alleles (0.000062%); no homozygotes.

Submissions (6):

Labcorp Genetics (formerly Invitae), Labcorp
Classification: Pathogenic for 3-Oxo-5 alpha-steroid delta 4-dehydrogenase deficiency. Last evaluated: 2023-11-06. Review status: criteria provided, single submitter. Criteria: Invitae Variant Classification Sherloc (09022015). Collection method: clinical testing. Allele origin: germline.
Comment: This sequence change replaces leucine, which is neutral and non-polar, with glutamine, which is neutral and polar, at codon 55 of the SRD5A2 protein (p.Leu55Gln). This variant is not present in population databases (gnomAD no frequency). This missense change has been observed in individuals with SRD5A2-related conditions (PMID: 1522235, 8768837, 12008688, 20850730). It has also been observed to segregate with disease in related individuals. ClinVar contains an entry for this variant (Variation ID: 3339). Advanced modeling of protein sequence and biophysical properties (such as structural, functional, and spatial information, amino acid conservation, physicochemical variation, residue mobility, and thermodynamic stability) performed at Invitae indicates that this missense variant is expected to disrupt SRD5A2 protein function with a positive predictive value of 80%. For these reasons, this variant has been classified as Pathogenic.

Blueprint Genetics
Classification: Pathogenic for SRD5A2-related disorders. Last evaluated: 2021-08-09. Review status: criteria provided, single submitter. Criteria: ACMG Guidelines, 2015. Collection method: clinical testing. Allele origin: germline. Affected: yes. Observed: 2 variant alleles.

Kariminejad - Najmabadi Pathology & Genetics Center
Classification: Likely pathogenic for Urogenital tract malformation. Last evaluated: 2021-07-10. Review status: criteria provided, single submitter. Criteria: ACMG Guidelines, 2015. Collection method: clinical testing. Allele origin: germline. Affected: yes.

Clinical Genetics and Genomics, Karolinska University Hospital
Classification: Likely pathogenic. Last evaluated: 2017-08-18. Review status: criteria provided, single submitter. Criteria: ACMG Guidelines, 2015. Collection method: clinical testing. Allele origin: germline. Affected: yes. Observed: 2 variant alleles.

Clinical Genetics Laboratory, University Hospital Schleswig-Holstein
Classification: Pathogenic for 3-Oxo-5 alpha-steroid delta 4-dehydrogenase deficiency. Last evaluated: 2024-05-28. Review status: no assertion criteria provided. Collection method: clinical testing. Allele origin: biparental. Affected: yes. Not counted in ClinVar's aggregate classification.

OMIM
Classification: Pathogenic for PSEUDOVAGINAL PERINEOSCROTAL HYPOSPADIAS. Last evaluated: 1996-08-01. Review status: no assertion criteria provided. Collection method: literature only. Allele origin: germline. Not counted in ClinVar's aggregate classification.

Literature cited by the submitters: PubMed 1522235 (cited by Labcorp Genetics (formerly Invitae), Labcorp); PubMed 8768837 (cited by Labcorp Genetics (formerly Invitae), Labcorp and OMIM); PubMed 12008688 (cited by Labcorp Genetics (formerly Invitae), Labcorp); PubMed 20850730 (cited by Labcorp Genetics (formerly Invitae), Labcorp).

NM_000348.4(SRD5A2):c.164T>A (p.Leu55Gln)

Gene: SRD5A2 (steroid 5 alpha-reductase 2; minus strand). Cytogenetic location: 2p23.1.
Variant type: single nucleotide variant.
Coding change: c.164T>A on transcript NM_000348.4 (MANE Select); coding-DNA position 164, T replaced by A.
Protein change: p.Leu55Gln; replaces leucine 55 with glutamine.
Molecular consequence: missense variant.
Genome position (GRCh38, 1-based): chr2:31,580,737, A>T on the plus strand (T>A on the coding strand, the complement: SRD5A2 is on the minus strand). VCF-style: chr2-31580737-A-T. GRCh37 (hg19) VCF-style: chr2-31805807-A-T.
Other names: short protein forms L55Q.
Identifiers: ClinVar variation 3339 (VCV000003339.28), dbSNP rs121434245, ClinGen allele CA340068.
Genomic context (GRCh38, chr2:31,580,737, plus strand): 5'-AGGGAGAGGGGCTGCCGGGCGAGGATCCCCGCGGGCACCGCGAAGGAAGGCAGCTCCTGC[A>T]GGAACCAGGCGGCGCGGGCTGGCAGGCGGGTAGCCGCCGGCTTCAGGCTCTCCGTGTGCT-3'
Protein context (NP_000339.2, residues 45-65): TRLPARAAWF[Leu55Gln]QELPSFAVPA